The following is an entry in ClinVar:

ClinVar aggregate classification (germline): Likely benign (1 of 4 stars; one submission).

Allele frequency attached by ClinVar (database versions not stated): gnomAD exomes below 0.00001; gnomAD 0.00001; 1000 Genomes Project 0.00020.
gnomAD v4.1: 7 of 1,523,764 alleles (0.00046%); highest among the groups gnomAD compares: Non-Finnish European, 0.00063%; no homozygotes.

Submission:

CeGaT Center for Human Genetics Tuebingen
Classification: Likely benign. Last evaluated: 2023-02-01. Review status: criteria provided, single submitter. Criteria: CeGaT Center For Human Genetics Tuebingen Variant Classification Criteria Version 2. Collection method: clinical testing. Allele origin: germline. Affected: yes. Observed: 1 variant allele.
Comment: TCERG1: BP4, BP7

NM_001382548.1(TCERG1):c.642G>A (p.Gln214=)

Gene: TCERG1 (transcription elongation regulator 1; plus strand). Cytogenetic location: 5q32.
Variant type: single nucleotide variant.
Coding change: c.642G>A on transcript NM_001382548.1 (MANE Select); coding-DNA position 642, G replaced by A.
Protein change: p.Gln214=; no amino-acid change (glutamine 214 retained).
Molecular consequence: synonymous variant. On other transcripts: non-coding transcript variant (52), intron variant (3).
Genome position (GRCh38, 1-based): chr5:146,459,087, G>A. VCF-style: chr5-146459087-G-A. GRCh37 (hg19) VCF-style: chr5-145838650-G-A.
Other names: c.642G>A, p.Gln214= (NM_001040006.2, NM_001400077.1, NM_001400084.1 and 7 more transcripts); c.585G>A, p.Gln195= (NM_001400082.1); c.582G>A, p.Gln194= (NM_001400092.1); c.594+48G>A (NM_001400098.1); c.577-13G>A (NM_001400083.1); c.558+84G>A (NM_001400096.1).
Identifiers: ClinVar variation 2655884 (VCV002655884.24), dbSNP rs546601229, ClinGen allele CA128897722.